The following is an entry in ClinVar:

NM_001267550.2(TTN):c.35227+3A>G

Gene: TTN (titin; minus strand). Cytogenetic location: 2q31.2.
Variant type: single nucleotide variant.
Coding change: c.35227+3A>G on transcript NM_001267550.2 (MANE Select); 3 bases into the intron after coding-DNA position 35227, A replaced by G.
Molecular consequence: intron variant.
Genome position (GRCh38, 1-based): chr2:178,671,968, T>C on the plus strand (A>G on the coding strand, the complement: TTN is on the minus strand). VCF-style: chr2-178671968-T-C. GRCh37 (hg19) VCF-style: chr2-179536695-T-C.
Other names: c.13283-29651A>G (NM_003319.4); c.13859-29651A>G (NM_133437.4); c.13658-29651A>G (NM_133432.3); c.31324+3A>G (NM_133378.4); c.34105+3A>G (NM_001256850.1).
Identifiers: ClinVar variation 969602 (VCV000969602.13), dbSNP rs1577214679, ClinGen allele CA1139657476.

ClinVar aggregate classification (germline): Uncertain significance. Review status: criteria provided, multiple submitters, no conflicts (2 of 4 stars). 2 submissions from 2 submitters: Uncertain significance (2). Last evaluated 2024-03-06.

Conditions:
Dilated cardiomyopathy 1G (CMD1G). Identifiers: Orphanet 154, MedGen C1858763, MONDO:0011400, OMIM 604145.
Autosomal recessive limb-girdle muscular dystrophy type 2J (LGMDR10). Also called: Limb-girdle muscular dystrophy, type 2J; MUSCULAR DYSTROPHY, LIMB-GIRDLE, AUTOSOMAL RECESSIVE 10. Identifiers: Orphanet 140922, MedGen C1837342, MONDO:0012127, OMIM 608807.

gnomAD v4.1: 2 of 1,591,344 alleles (0.00013%); highest among the groups gnomAD compares: East Asian, 0.0022%; no homozygotes.

Submissions (2):

Labcorp Genetics (formerly Invitae), Labcorp
Classification: Uncertain significance for Dilated cardiomyopathy 1G; Autosomal recessive limb-girdle muscular dystrophy type 2J. Last evaluated: 2024-03-06. Review status: criteria provided, single submitter. Criteria: Invitae Variant Classification Sherloc (09022015). Collection method: clinical testing. Allele origin: germline.
Comment: This sequence change falls in intron 155 of the TTN gene. It does not directly change the encoded amino acid sequence of the TTN protein. It affects a nucleotide within the consensus splice site. This variant is not present in population databases (gnomAD no frequency). This variant has not been reported in the literature in individuals affected with TTN-related conditions. ClinVar contains an entry for this variant (Variation ID: 969602). Variants that disrupt the consensus splice site are a relatively common cause of aberrant splicing (PMID: 17576681, 9536098). Algorithms developed to predict the effect of sequence changes on RNA splicing suggest that this variant may disrupt the consensus splice site. This variant is located in the I band of TTN (PMID: 25589632). Non-truncating variants in this region may be clinically relevant, but have not been definitively shown to cause cardiomyopathy or neuromuscular disease (PMID: 27493940, 32778822). In summary, the available evidence is currently insufficient to determine the role of this variant in disease. Therefore, it has been classified as a Variant of Uncertain Significance.

Revvity Omics, Revvity
Classification: Uncertain significance. Last evaluated: 2021-09-04. Review status: criteria provided, single submitter. Criteria: ACMG Guidelines, 2015. Collection method: clinical testing. Allele origin: germline.

Literature cited by the submitters: PubMed 17576681 (cited by Labcorp Genetics (formerly Invitae), Labcorp); PubMed 9536098 (cited by Labcorp Genetics (formerly Invitae), Labcorp); PubMed 25589632 (cited by Labcorp Genetics (formerly Invitae), Labcorp); PubMed 27493940 (cited by Labcorp Genetics (formerly Invitae), Labcorp); PubMed 32778822 (cited by Labcorp Genetics (formerly Invitae), Labcorp).